The following is an entry in ClinVar:

ClinVar aggregate classification (germline): Uncertain significance (1 of 4 stars; one submission).

Submission:

Labcorp Genetics (formerly Invitae), Labcorp
Classification: Uncertain significance. Last evaluated: 2024-06-17. Review status: criteria provided, single submitter. Criteria: Invitae Variant Classification Sherloc (09022015). Collection method: clinical testing. Allele origin: germline.
Comment: This sequence change replaces serine, which is neutral and polar, with cysteine, which is neutral and slightly polar, at codon 596 of the DVL3 protein (p.Ser596Cys). This variant is not present in population databases (gnomAD no frequency). This variant has not been reported in the literature in individuals affected with DVL3-related conditions. ClinVar contains an entry for this variant (Variation ID: 2123275). Advanced modeling of protein sequence and biophysical properties (such as structural, functional, and spatial information, amino acid conservation, physicochemical variation, residue mobility, and thermodynamic stability) performed at Invitae indicates that this missense variant is not expected to disrupt DVL3 protein function with a negative predictive value of 80%. In summary, the available evidence is currently insufficient to determine the role of this variant in disease. Therefore, it has been classified as a Variant of Uncertain Significance.

NM_004423.4(DVL3):c.1787C>G (p.Ser596Cys)

Gene: DVL3 (dishevelled segment polarity protein 3; plus strand). Cytogenetic location: 3q27.1.
Variant type: single nucleotide variant.
Coding change: c.1787C>G on transcript NM_004423.4 (MANE Select); coding-DNA position 1787, C replaced by G.
Protein change: p.Ser596Cys; replaces serine 596 with cysteine.
Molecular consequence: missense variant.
Genome position (GRCh38, 1-based): chr3:184,170,391, C>G. VCF-style: chr3-184170391-C-G. GRCh37 (hg19) VCF-style: chr3-183888179-C-G.
Other names: short protein forms S596C.
Identifiers: ClinVar variation 2123275 (VCV002123275.4), dbSNP rs2473705852, ClinGen allele CA355415732.